The following is an entry in ClinVar:

ClinVar aggregate classification (germline): Uncertain significance (1 of 4 stars; one submission).

Conditions:
NRP2-related disorder. Also called: NRP2-related condition.

gnomAD v4.1: 19 of 1,613,972 alleles (0.0012%); highest among the groups gnomAD compares: Admixed American, 0.0067%; no homozygotes.

Submission:

PreventionGenetics, part of Exact Sciences
Classification: Uncertain significance for NRP2-related condition. Last evaluated: 2025-02-19. Review status: criteria provided, single submitter. Criteria: ACMG Guidelines, 2015. Collection method: clinical testing. Allele origin: germline.
Comment: The NRP2 c.1027G>A variant is predicted to result in the amino acid substitution p.Ala343Thr. To our knowledge, this variant has not been reported in the literature. This variant is reported in 0.020% of alleles in individuals of African descent in gnomAD. At this time, the clinical significance of this variant is uncertain due to the absence of conclusive functional and genetic evidence.

NM_003872.3(NRP2):c.1027G>A (p.Ala343Thr)

Gene: NRP2 (neuropilin 2; plus strand). Cytogenetic location: 2q33.3.
Variant type: single nucleotide variant.
Coding change: c.1027G>A on transcript NM_003872.3 (MANE Select); coding-DNA position 1027, G replaced by A.
Protein change: p.Ala343Thr; replaces alanine 343 with threonine.
Molecular consequence: missense variant.
Genome position (GRCh38, 1-based): chr2:205,727,927, G>A. VCF-style: chr2-205727927-G-A. GRCh37 (hg19) VCF-style: chr2-206592651-G-A.
Other names: c.1027G>A, p.Ala343Thr (NM_018534.4, NM_201264.2, NM_201266.2 and 2 more transcripts); short protein forms A343T.
Identifiers: ClinVar variation 4988397 (VCV004988397.1).